The following is an entry in ClinVar:

ClinVar aggregate classification (germline): Uncertain significance (1 of 4 stars; one submission).

Conditions:
CFI-related disorder. Also called: CFI-related condition; CFI-related disorders. Identifiers: MedGen CN239325.

gnomAD v4.1: 3 of 1,614,166 alleles (0.00019%); highest among the groups gnomAD compares: East Asian, 0.0045%; no homozygotes.

Submission:

Genomenon, Inc
Classification: Uncertain significance for CFI-related disorder. Last evaluated: 2026-09-17. Review status: criteria provided, single submitter. Criteria: Genomenon Sequence Variant Interpretation Standards - Updated. Collection method: curation. Allele origin: germline. Affected: no.
Comment: CFI p.Pro447Ser (c.1339C>T) is a missense variant that changes the amino acid at codon 447 from Proline to Serine. This variant has been reported in the published literature (PMID:41764449;29940891;34149444). This variant is located in a mutational hotspot and/or important functional domain. It is absent or not present at a significant frequency in gnomAD. In silico models predict that this variant is not damaging. In conclusion, we classify CFI p.Pro447Ser (c.1339C>T) as a variant of uncertain significance.

Literature cited by the submitters: PubMed 41764449; PubMed 29940891; PubMed 34149444.

NM_000204.5(CFI):c.1339C>T (p.Pro447Ser)

Gene: CFI (complement factor I; minus strand). Cytogenetic location: 4q25.
Variant type: single nucleotide variant.
Coding change: c.1339C>T on transcript NM_000204.5 (MANE Select); coding-DNA position 1339, C replaced by T.
Protein change: p.Pro447Ser; replaces proline 447 with serine.
Molecular consequence: missense variant. On other transcripts: non-coding transcript variant (2).
Genome position (GRCh38, 1-based): chr4:109,746,312, G>A on the plus strand (C>T on the coding strand, the complement: CFI is on the minus strand). VCF-style: chr4-109746312-G-A. GRCh37 (hg19) VCF-style: chr4-110667468-G-A.
Other names: c.1363C>T, p.Pro455Ser (NM_001318057.2, NM_001375278.1, NM_001440988.1); c.1318C>T, p.Pro440Ser (NM_001331035.2, NM_001375280.1, NM_001375282.1 and 1 more transcripts); c.1339C>T, p.Pro447Ser (NM_001375279.1, NM_001375281.1, NM_001440989.1); c.1282C>T, p.Pro428Ser (NM_001375283.1); c.730C>T, p.Pro244Ser (NM_001375284.1); c.1360C>T, p.Pro454Ser (NM_001440985.1, NM_001440986.1); short protein forms P244S, P428S, P440S, P447S, P454S, P455S.
Identifiers: ClinVar variation 4280523 (VCV004280523.2).